The following is an entry in ClinVar:

ClinVar aggregate classification (germline): Uncertain significance. Review status: criteria provided, multiple submitters, no conflicts (2 of 4 stars). 2 submissions from 2 submitters: Uncertain significance (2). Last evaluated 2023-10-11.

Conditions:
Bethlem myopathy 1A. Also called: Bethlem myopathy 1; MYOPATHY, BENIGN CONGENITAL, WITH CONTRACTURES; Bethlem Muscular Dystrophy. Identifiers: Orphanet 610, MedGen CN029274, MONDO:0024530, OMIM 158810.

Allele frequency attached by ClinVar (database versions not stated): gnomAD exomes below 0.00001.
gnomAD v4.1: 1 of 1,614,276 alleles (0.000062%); highest among the groups gnomAD compares: Non-Finnish European, 0.000085%; no homozygotes.

Submissions (2):

Labcorp Genetics (formerly Invitae), Labcorp
Classification: Uncertain significance for Bethlem myopathy 1A. Last evaluated: 2023-10-11. Review status: criteria provided, single submitter. Criteria: Invitae Variant Classification Sherloc (09022015). Collection method: clinical testing. Allele origin: germline.
Comment: This sequence change replaces isoleucine, which is neutral and non-polar, with leucine, which is neutral and non-polar, at codon 2900 of the COL6A3 protein (p.Ile2900Leu). This variant is not present in population databases (gnomAD no frequency). This variant has not been reported in the literature in individuals affected with COL6A3-related conditions. ClinVar contains an entry for this variant (Variation ID: 595113). Advanced modeling of protein sequence and biophysical properties (such as structural, functional, and spatial information, amino acid conservation, physicochemical variation, residue mobility, and thermodynamic stability) performed at Invitae indicates that this missense variant is not expected to disrupt COL6A3 protein function. In summary, the available evidence is currently insufficient to determine the role of this variant in disease. Therefore, it has been classified as a Variant of Uncertain Significance.

Eurofins Ntd Llc (ga)
Classification: Uncertain significance. Last evaluated: 2017-11-21. Review status: criteria provided, single submitter. Criteria: EGL Classification Definitions 2015. Collection method: clinical testing. Allele origin: germline. Observed: 1 variant allele, 1 heterozygote.

NM_004369.4(COL6A3):c.8698A>C (p.Ile2900Leu)

Gene: COL6A3 (collagen type VI alpha 3 chain; minus strand). Cytogenetic location: 2q37.3.
Variant type: single nucleotide variant.
Coding change: c.8698A>C on transcript NM_004369.4 (MANE Select); coding-DNA position 8698, A replaced by C.
Protein change: p.Ile2900Leu; replaces isoleucine 2900 with leucine.
Molecular consequence: missense variant.
Genome position (GRCh38, 1-based): chr2:237,336,402, T>G on the plus strand (A>C on the coding strand, the complement: COL6A3 is on the minus strand). VCF-style: chr2-237336402-T-G. GRCh37 (hg19) VCF-style: chr2-238245045-T-G.
Other names: c.6877A>C, p.Ile2293Leu (NM_057166.5); c.8080A>C, p.Ile2694Leu (NM_057167.4); short protein forms I2900L, I2293L, I2694L.
Identifiers: ClinVar variation 595113 (VCV000595113.8), dbSNP rs1553544853, ClinGen allele CA351191825.